The following is an entry in ClinVar:

ClinVar aggregate classification (germline): Pathogenic. Review status: reviewed by expert panel (3 of 4 stars). 2 submissions from 2 submitters: Pathogenic (1). 1 of the submissions does not count toward it. Last evaluated 2021-07-14.

Conditions:
Glanzmann thrombasthenia 2. Also called: BLEEDING DISORDER, PLATELET-TYPE, 23. Identifiers: MedGen C5543273, MONDO:0031009, OMIM 619267.
Glanzmann thrombasthenia. Also called: THROMBASTHENIA OF GLANZMANN AND NAEGELI; BLEEDING DISORDER, PLATELET-TYPE, 2; Thrombasthenia; PLATELET GLYCOPROTEIN IIb-IIIa DEFICIENCY; Glanzmann's thrombasthenia. Identifiers: Orphanet 849, MedGen C0040015, MONDO:0100326.

Submissions (2):

ClinGen Platelet Disorders Variant Curation Expert Panel, ClinGen
Classification: Pathogenic for Glanzmann thrombasthenia. Last evaluated: 2021-07-14. Review status: reviewed by expert panel. Criteria: ClinGen Platelet ACMG Specifications v2. Collection method: curation. Allele origin: germline. Inheritance: Autosomal recessive inheritance.
Comment: The ITGB3 nonsense variant NM_000212.3:c.921C>A (p.Tyr307Ter) introduces a premature termination codon in exon 6 of 15 total exons and the resulting mRNA product is predicted to undergo nonsense mediated decay, leading to loss of normal protein function. This variant has been observed in homozygosity in three individuals with a phenotype specific for Glanzmann's thrombasthenia (GT) and haplotype analysis suggests a founder effect (GT21, GT25, GT55, PMID: 16463284). Furthermore, this variant is absent from population databases. In summary, this variant meets criteria to be classified as pathogenic for GT. GT-specific criteria applied: PVS1, PM2_Supporting, PM3, PP4_Moderate.

Neuberg Centre For Genomic Medicine, NCGM
Classification: Pathogenic for Glanzmann thrombasthenia 2. Last evaluated: 2023-05-20. Review status: criteria provided, single submitter. Criteria: ACMG Guidelines, 2015. Collection method: clinical testing. Allele origin: germline. Inheritance: Autosomal recessive inheritance. Affected: yes. Not counted in ClinVar's aggregate classification.
Comment: The observed stop gained variant c.921C>A (p.Tyr307Ter) in the ITGB3 gene has been reported previously in individuals affected with Glanzmann's thrombasthenia (GT) and haplotype analysis suggests a founder effect (Peretz H, et al., 2006). This variant is absent in the gnomAD Exomes. It is submitted to ClinVar as Pathogenic. Computational evidence (MutationTaster - Disease causing) predicts damaging effect on protein structure and function for this variant. This variant is predicted to cause loss of normal protein function either through protein truncation or nonsense-mediated mRNA decay. Loss of function variants have been previously reported to be disease causing. For these reasons, this variant has been classified as Pathogenic.

NM_000212.3(ITGB3):c.921C>A (p.Tyr307Ter)

Gene: ITGB3 (integrin subunit beta 3; plus strand). Cytogenetic location: 17q21.32.
Variant type: single nucleotide variant.
Coding change: c.921C>A on transcript NM_000212.3 (MANE Select); coding-DNA position 921, C replaced by A.
Protein change: p.Tyr307Ter; replaces tyrosine 307 with a stop codon.
Molecular consequence: nonsense.
Genome position (GRCh38, 1-based): chr17:47,287,213, C>A. VCF-style: chr17-47287213-C-A. GRCh37 (hg19) VCF-style: chr17-45364579-C-A.
Other names: NM_000212.3:c.921C>A; short protein forms Y307*.
Identifiers: ClinVar variation 1330349 (VCV001330349.2), dbSNP rs2143099209, ClinGen allele CA400025209.
Genomic context (GRCh38, chr17:47,287,213, plus strand): 5'-GCTGGCAGGCATTGTCCAGCCTAATGACGGGCAGTGTCATGTTGGTAGTGACAATCATTA[C>A]TCTGCCTCCACTACCATGGTGAGATCTCTGGCACCACCTATGGTTTCTATTCATGATTGT-3'